The following is an entry in ClinVar:

ClinVar aggregate classification (germline): Uncertain significance (1 of 4 stars; one submission).

Allele frequency attached by ClinVar (database versions not stated): gnomAD 0.00001; gnomAD exomes 0.00001; TOPMed 0.00001; ExAC 0.00002.
gnomAD v4.1: 4 of 1,602,770 alleles (0.00025%); highest among the groups gnomAD compares: Non-Finnish European, 0.00034%; no homozygotes.

Submission:

Labcorp Genetics (formerly Invitae), Labcorp
Classification: Uncertain significance. Last evaluated: 2024-05-29. Review status: criteria provided, single submitter. Criteria: Invitae Variant Classification Sherloc (09022015). Collection method: clinical testing. Allele origin: germline.
Comment: This sequence change replaces leucine, which is neutral and non-polar, with valine, which is neutral and non-polar, at codon 187 of the KCNJ13 protein (p.Leu187Val). This variant is present in population databases (rs762050035, gnomAD 0.007%). This variant has not been reported in the literature in individuals affected with KCNJ13-related conditions. ClinVar contains an entry for this variant (Variation ID: 1350769). Advanced modeling of protein sequence and biophysical properties (such as structural, functional, and spatial information, amino acid conservation, physicochemical variation, residue mobility, and thermodynamic stability) performed at Invitae indicates that this missense variant is not expected to disrupt KCNJ13 protein function with a negative predictive value of 80%. In summary, the available evidence is currently insufficient to determine the role of this variant in disease. Therefore, it has been classified as a Variant of Uncertain Significance.

NM_002242.4(KCNJ13):c.559C>G (p.Leu187Val)

Genes: GIGYF2 (GRB10 interacting GYF protein 2; plus strand), KCNJ13 (potassium inwardly rectifying channel subfamily J member 13; minus strand). Cytogenetic location: 2q37.1.
Variant type: single nucleotide variant.
Coding change: c.559C>G on transcript NM_002242.4 (MANE Select); coding-DNA position 559, C replaced by G.
Protein change: p.Leu187Val; replaces leucine 187 with valine.
Molecular consequence: missense variant. On other transcripts: 3 prime UTR variant (1), intron variant (4).
Genome position (GRCh38, 1-based): chr2:232,768,715, G>C on the plus strand (C>G on the coding strand, the complement: KCNJ13 is on the minus strand). VCF-style: chr2-232768715-G-C. GRCh37 (hg19) VCF-style: chr2-233633425-G-C.
Other names: c.*38C>G (NM_001172416.1); c.319C>G, p.Leu107Val (NM_001172417.1); c.532+7279G>C (NM_001103146.3, NM_015575.4, NM_001103147.2 and 1 more transcripts); short protein forms L187V, L107V.
Identifiers: ClinVar variation 1350769 (VCV001350769.8), dbSNP rs762050035, ClinGen allele CA2170011.